The following is an entry in ClinVar:

NM_000535.7(PMS2):c.922_933delinsA (p.Glu308fs)

Gene: PMS2 (PMS1 homolog 2, mismatch repair system component; minus strand). Cytogenetic location: 7p22.1.
Variant type: Indel.
Coding change: c.922_933delinsA on transcript NM_000535.7 (MANE Select); coding-DNA positions 922 to 933, GAGGTCTACCAC replaced by A.
Protein change: p.Glu308fs; shifts the reading frame from glutamic acid 308.
Molecular consequence: frameshift variant. On other transcripts: 5 prime UTR variant (2), non-coding transcript variant (1).
Genome position (GRCh38, 1-based): chr7:5,992,028-5,992,039, GTGGTAGACCTC replaced by T on the plus strand (GAGGTCTACCAC replaced by A on the coding strand, the reverse complement: PMS2 is on the minus strand). VCF-style: chr7-5992028-GTGGTAGACCTC-T. GRCh37 (hg19) VCF-style: chr7-6031659-GTGGTAGACCTC-T.
Other names: c.517_528delinsA, p.Glu173fs (NM_001322003.2, NM_001322004.2, NM_001322005.2 and 2 more transcripts); c.922_933delinsA, p.Glu308fs (NM_001322006.2, NM_001322014.2); c.604_615delinsA, p.Glu202fs (NM_001322007.2, NM_001322008.2); c.-12_-1delinsA (NM_001322011.2, NM_001322012.2); c.349_360delinsA, p.Glu117fs (NM_001322013.2); c.613_624delinsA, p.Glu205fs (NM_001322015.2); short protein forms E308fs, E117fs, E205fs, E173fs, E202fs.
Identifiers: ClinVar variation 480364 (VCV000480364.34), dbSNP rs1554299430, ClinGen allele CA658655992.
Genomic context (GRCh38, chr7:5,992,028, plus strand): 5'-CTTACCTGAATCAACAGAAATGTTAAGAACAACAAATGGATACTGGTGTCGATTATACAT[GTGGTAGACCTC>T]ATTCACGAGTCTGCAGACCTGCACAAAATACAAGGAGTAGAAAAGAATAAATGACAAATG-3'

ClinVar aggregate classification (germline): Pathogenic. Review status: criteria provided, multiple submitters, no conflicts (2 of 4 stars). 2 submissions from 2 submitters: Pathogenic (2). Last evaluated 2024-07-01.

Conditions:
Hereditary cancer-predisposing syndrome. Also called: Hereditary neoplastic syndrome; Tumor predisposition; Neoplastic Syndromes, Hereditary; Hereditary Cancer Syndrome. Identifiers: Orphanet 140162, MedGen C0027672, MeSH D009386, MONDO:0015356.

Submissions (2):

CeGaT Center for Human Genetics Tuebingen
Classification: Pathogenic. Last evaluated: 2024-07-01. Review status: criteria provided, single submitter. Criteria: CeGaT Center For Human Genetics Tuebingen Variant Classification Criteria Version 2. Collection method: clinical testing. Allele origin: germline. Affected: yes. Observed: 2 variant alleles.
Comment: PMS2: PVS1, PM2

Ambry Genetics
Classification: Pathogenic for Hereditary cancer-predisposing syndrome. Last evaluated: 2017-01-10. Review status: criteria provided, single submitter. Criteria: Ambry Autosomal Dominant and X-Linked criteria (10/2015). Collection method: clinical testing. Allele origin: germline. Observed: 1 variant allele.
Comment: The c.922_933del12insA pathogenic mutation, located in coding exon 9 of the PMS2 gene, results from the deletion of 12 nucleotides and insertion of one nucleotide causing a translational frameshift with a predicted alternate stop codon (p.E308Nfs*3). This alteration is expected to result in loss of function by premature protein truncation or nonsense-mediated mRNA decay. As such, this alteration is interpreted as a disease-causing mutation.